The following is an entry in ClinVar:

ClinVar aggregate classification (germline): Uncertain significance (1 of 4 stars; one submission).

Submission:

GeneDx
Classification: Uncertain significance. Last evaluated: 2023-03-20. Review status: criteria provided, single submitter. Criteria: GeneDx Variant Classification Process June 2021. Collection method: clinical testing. Allele origin: germline. Affected: yes.
Comment: Not observed at significant frequency in large population cohorts (gnomAD); In silico analysis supports that this missense variant has a deleterious effect on protein structure/function; Has not been previously published as pathogenic or benign to our knowledge

NM_001353921.2(ARHGEF9):c.1034G>T (p.Arg345Leu)

Gene: ARHGEF9 (Cdc42 guanine nucleotide exchange factor 9; minus strand). Cytogenetic location: Xq11.1.
Variant type: single nucleotide variant.
Coding change: c.1034G>T on transcript NM_001353921.2 (MANE Select); coding-DNA position 1034, G replaced by T.
Protein change: p.Arg345Leu; replaces arginine 345 with leucine.
Molecular consequence: missense variant. On other transcripts: intron variant (5).
Genome position (GRCh38, 1-based): chrX:63,665,929, C>A on the plus strand (G>T on the coding strand, the complement: ARHGEF9 is on the minus strand). VCF-style: chrX-63665929-C-A. GRCh37 (hg19) VCF-style: chrX-62885809-C-A.
Other names: c.854G>T, p.Arg285Leu (NM_001173479.2); c.707G>T, p.Arg236Leu (NM_001173480.2, NM_001369042.1); c.950G>T, p.Arg317Leu (NM_001330495.2, NM_001369033.1, NM_001369034.1 and 6 more transcripts); c.1052G>T, p.Arg351Leu (NM_001353923.1); c.833G>T, p.Arg278Leu (NM_001353924.2, NM_001353926.2, NM_001369039.1 and 1 more transcripts); c.1013G>T, p.Arg338Leu (NM_001369030.1, NM_001369031.1, NM_001369032.1 and 1 more transcripts); c.945+8109G>T (NM_001353922.2); c.861+8109G>T (NM_001369041.1, NM_001353927.2); and 2 more; short protein forms R236L, R278L, R285L, R317L, R338L, R345L, R351L.
Identifiers: ClinVar variation 2580614 (VCV002580614.1), dbSNP rs2147265791, ClinGen allele CA413405573.